The following is an entry in ClinVar:

NM_005477.3(HCN4):c.191G>A (p.Gly64Asp)

Gene: HCN4 (hyperpolarization activated cyclic nucleotide gated potassium channel 4; minus strand). Cytogenetic location: 15q24.1.
Variant type: single nucleotide variant.
Coding change: c.191G>A on transcript NM_005477.3 (MANE Select); coding-DNA position 191, G replaced by A.
Protein change: p.Gly64Asp; replaces glycine 64 with aspartic acid.
Molecular consequence: missense variant.
Genome position (GRCh38, 1-based): chr15:73,368,080, C>T on the plus strand (G>A on the coding strand, the complement: HCN4 is on the minus strand). VCF-style: chr15-73368080-C-T. GRCh37 (hg19) VCF-style: chr15-73660421-C-T.
Other names: c.191G>A (NM_005477.2); short protein forms G64D.
Identifiers: ClinVar variation 2110322 (VCV002110322.5), dbSNP rs2549080606, ClinGen allele CA393098756.

ClinVar aggregate classification (germline): Uncertain significance. Review status: criteria provided, multiple submitters, no conflicts (2 of 4 stars). 2 submissions from 2 submitters: Uncertain significance (2). Last evaluated 2026-01-28.

Conditions:
Brugada syndrome 8 (BRGDA8). Identifiers: Orphanet 130, MedGen C2751083, MONDO:0013148, OMIM 613123.
Cardiovascular phenotype. Identifiers: MedGen CN230736.

gnomAD v4.1: 1 of 1,487,318 alleles (0.000067%); no homozygotes.

Submissions (2):

Labcorp Genetics (formerly Invitae), Labcorp
Classification: Uncertain significance for Brugada syndrome 8. Last evaluated: 2026-01-28. Review status: criteria provided, single submitter. Criteria: Invitae Variant Classification Sherloc (09022015). Collection method: clinical testing. Allele origin: germline.
Comment: This sequence change replaces glycine, which is neutral and non-polar, with aspartic acid, which is acidic and polar, at codon 64 of the HCN4 protein (p.Gly64Asp). This variant is not present in population databases (gnomAD no frequency). This variant has not been reported in the literature in individuals affected with HCN4-related conditions. ClinVar contains an entry for this variant (Variation ID: 2110322). Invitae Evidence Modeling of protein sequence and biophysical properties (such as structural, functional, and spatial information, amino acid conservation, physicochemical variation, residue mobility, and thermodynamic stability) indicates that this missense variant is not expected to disrupt HCN4 protein function with a negative predictive value of 95%. In summary, the available evidence is currently insufficient to determine the role of this variant in disease. Therefore, it has been classified as a Variant of Uncertain Significance.

Ambry Genetics
Classification: Uncertain significance for Cardiovascular phenotype. Last evaluated: 2024-08-28. Review status: criteria provided, single submitter. Criteria: Ambry Variant Classification Scheme 2023. Collection method: clinical testing. Allele origin: germline.
Comment: The p.G64D variant (also known as c.191G>A), located in coding exon 1 of the HCN4 gene, results from a G to A substitution at nucleotide position 191. The glycine at codon 64 is replaced by aspartic acid, an amino acid with similar properties. This amino acid position is conserved. In addition, this alteration is predicted to be tolerated by in silico analysis. Based on the available evidence, the clinical significance of this variant remains unclear.